The following is an entry in ClinVar:

ClinVar aggregate classification (germline): Uncertain significance (1 of 4 stars; one submission).

Conditions:
Microcephaly, normal intelligence and immunodeficiency (NBS). Also called: Nijmegen breakage syndrome; Microcephaly with normal intelligence immunodeficiency and lymphoreticular malignancies; Nonsyndromal microcephaly autosomal recessive with normal intelligence; Seemanova syndrome 2; IMMUNODEFICIENCY, MICROCEPHALY, AND CHROMOSOMAL INSTABILITY; Ataxia telangiectasia variant V1. Identifiers: Orphanet 647, MedGen C0398791, MONDO:0009623, OMIM 251260.

Submission:

Labcorp Genetics (formerly Invitae), Labcorp
Classification: Uncertain significance for Microcephaly, normal intelligence and immunodeficiency. Last evaluated: 2021-12-20. Review status: criteria provided, single submitter. Criteria: Invitae Variant Classification Sherloc (09022015). Collection method: clinical testing. Allele origin: germline.
Comment: Experimental studies and prediction algorithms are not available or were not evaluated, and the functional significance of this variant is currently unknown. In summary, the available evidence is currently insufficient to determine the role of this variant in disease. Therefore, it has been classified as a Variant of Uncertain Significance. This variant has not been reported in the literature in individuals affected with NBN-related conditions. This variant results in a copy number gain of the genomic region encompassing exon(s) 13-16 of the NBN gene. This region includes the termination codon of the gene. This copy number gain extends beyond the assayed region for this gene and therefore may encompass additional genes. As the precise location of this event is unknown, it may be in tandem or it may be located elsewhere in the genome.

NC_000008.10:g.(?_90947810)_(90958533_?)dup

Gene: NBN (nibrin; minus strand). Cytogenetic location: 8q21.3.
Variant type: Duplication.
Identifiers: ClinVar variation 2424469 (VCV002424469.4).